The following is an entry in ClinVar:

NM_001005273.3(CHD3):c.5850C>T (p.Tyr1950=)

Gene: CHD3 (chromodomain helicase DNA binding protein 3; plus strand). Cytogenetic location: 17p13.1.
Variant type: single nucleotide variant.
Coding change: c.5850C>T on transcript NM_001005273.3 (MANE Select); coding-DNA position 5850, C replaced by T.
Protein change: p.Tyr1950=; no amino-acid change (tyrosine 1950 retained).
Molecular consequence: synonymous variant.
Genome position (GRCh38, 1-based): chr17:7,910,942, C>T. VCF-style: chr17-7910942-C-T. GRCh37 (hg19) VCF-style: chr17-7814260-C-T.
Other names: c.5748C>T, p.Tyr1916= (NM_005852.4); c.6027C>T, p.Tyr2009= (NM_001005271.3).
Identifiers: ClinVar variation 3025990 (VCV003025990.22), dbSNP rs1567878860, ClinGen allele CA397951504.
Genomic context (GRCh38, chr17:7,910,942, plus strand): 5'-GTACGGGGCGGCCTTCAGCGCCGCACCCGTAGGGGCCCTGGCCGCCGCAGGCGCCAATTA[C>T]AGCCAGATGCCTGCAGGGTCCTTCATCACAGGTCAGCTGGTGTTTTCCTACCCCCTGCTA-3'
Protein context (NP_001005273.1, residues 1940-1960): VGALAAAGAN[Tyr1950=]SQMPAGSFIT

ClinVar aggregate classification (germline): Uncertain significance (1 of 4 stars; one submission).

Allele frequency attached by ClinVar (database versions not stated): gnomAD exomes below 0.00001.
gnomAD v4.1: 1 of 1,613,586 alleles (0.000062%); highest among the groups gnomAD compares: Non-Finnish European, 0.000085%; no homozygotes.

Submission:

CeGaT Center for Human Genetics Tuebingen
Classification: Uncertain significance. Last evaluated: 2023-12-01. Review status: criteria provided, single submitter. Criteria: CeGaT Center For Human Genetics Tuebingen Variant Classification Criteria Version 2. Collection method: clinical testing. Allele origin: germline. Affected: yes. Observed: 1 variant allele.
Comment: CHD3: PM2